The following is an entry in ClinVar:

NM_014714.4(IFT140):c.2755C>G (p.Arg919Gly)

Gene: IFT140 (intraflagellar transport 140; minus strand). Cytogenetic location: 16p13.3.
Variant type: single nucleotide variant.
Coding change: c.2755C>G on transcript NM_014714.4 (MANE Select); coding-DNA position 2755, C replaced by G.
Protein change: p.Arg919Gly; replaces arginine 919 with glycine.
Molecular consequence: missense variant.
Genome position (GRCh38, 1-based): chr16:1,525,900, G>C on the plus strand (C>G on the coding strand, the complement: IFT140 is on the minus strand). VCF-style: chr16-1525900-G-C. GRCh37 (hg19) VCF-style: chr16-1575901-G-C.
Other names: short protein forms R919G.
Identifiers: ClinVar variation 885574 (VCV000885574.17), dbSNP rs548992623, ClinGen allele CA7813507.
Genomic context (GRCh38, chr16:1,525,900, plus strand): 5'-AGGGCCATCCAGAGAGGCAGGGAAGAGGCCGCGAGGGCCGCACTCACTAACTGAGGGCCC[G>C]GCTGCAGTCGGCGCTGGCCTCCAGGTGCCCGGCATAGCGGTGGTAGGTGCTGCGCAGGTG-3'
Protein context (NP_055529.2, residues 909-929): GHLEASADCS[Arg919Gly]ALSYYEKSDT

ClinVar aggregate classification (germline): Conflicting classifications of pathogenicity. Review status: criteria provided, conflicting classifications (1 of 4 stars). 5 submissions from 5 submitters: Uncertain significance (2); Benign (2). 1 of the submissions does not count toward it. Last evaluated 2025-12-19.

Conditions:
IFT140-related disorder. Also called: IFT140-related condition.
Retinal dystrophy. Also called: Inherited retinal dystrophy. Identifiers: Orphanet 71862, MedGen C0854723, MeSH D058499, MONDO:0019118, HP:0000556.
Saldino-Mainzer syndrome (SRTD9). Also called: Renal dysplasia, retinal pigmentary dystrophy, cerebellar ataxia and skeletal dysplasia; short-rib thoracic dysplasia 9 with or without polydactyly; CONORENAL SYNDROME; SHORT-RIB THORACIC DYSPLASIA 9 WITHOUT POLYDACTYLY. Identifiers: Orphanet 140969, MedGen C1849437, MONDO:0009964, OMIM 266920.

Allele frequency attached by ClinVar (database versions not stated): ExAC 0.00036; TOPMed 0.00040; 1000 Genomes Project 30x 0.00047; 1000 Genomes Project 0.00060.
gnomAD v4.1: 139 of 1,548,294 alleles (0.009%); highest among the groups gnomAD compares: East Asian, 0.32%; 1 homozygote.

Submissions (5):

Labcorp Genetics (formerly Invitae), Labcorp
Classification: Benign for Saldino-Mainzer syndrome. Last evaluated: 2025-12-19. Review status: criteria provided, single submitter. Criteria: Invitae Variant Classification Sherloc (09022015). Collection method: clinical testing. Allele origin: germline.

Blueprint Genetics
Classification: Benign. Last evaluated: 2024-09-25. Review status: criteria provided, single submitter. Criteria: ACMG Guidelines, 2015. Collection method: clinical testing. Allele origin: germline.

Dept Of Ophthalmology, Nagoya University
Classification: Uncertain significance for Retinal dystrophy. Last evaluated: 2023-10-01. Review status: criteria provided, single submitter. Criteria: Submitter's publication. Collection method: research. Allele origin: germline. Affected: yes.

Illumina Laboratory Services, Illumina
Classification: Uncertain significance for Saldino-Mainzer syndrome. Last evaluated: 2018-01-13. Review status: criteria provided, single submitter. Criteria: ICSL Variant Classification Criteria 13 December 2019. Collection method: clinical testing. Allele origin: germline.

PreventionGenetics, part of Exact Sciences
Classification: Likely benign for IFT140-related condition. Last evaluated: 2022-03-31. Review status: no assertion criteria provided. Collection method: clinical testing. Allele origin: germline. Not counted in ClinVar's aggregate classification.
Comment: This variant is classified as likely benign based on ACMG/AMP sequence variant interpretation guidelines (Richards et al. 2015 PMID: 25741868, with internal and published modifications).